The following is an entry in ClinVar:

NM_001278689.2(EOGT):c.210+5G>A

Gene: EOGT (EGF domain specific O-linked N-acetylglucosamine transferase; minus strand). Cytogenetic location: 3p14.1.
Variant type: single nucleotide variant.
Coding change: c.210+5G>A on transcript NM_001278689.2 (MANE Select); 5 bases into the intron after coding-DNA position 210, G replaced by A.
Molecular consequence: intron variant.
Genome position (GRCh38, 1-based): chr3:69,009,632, C>T on the plus strand (G>A on the coding strand, the complement: EOGT is on the minus strand). VCF-style: chr3-69009632-C-T. GRCh37 (hg19) VCF-style: chr3-69058783-C-T.
Other names: c.210+5G>A (NM_173654.3).
Identifiers: ClinVar variation 683791 (VCV000683791.15), dbSNP rs56761230, ClinGen allele CA2487024.
Genomic context (GRCh38, chr3:69,009,632, plus strand): 5'-CAGAACCTGTAAGCCAGCTGAAATTGCATCCTCATAAAAATAAGGAGAAAAGAAATAATA[C>T]CTACCTTATATGGACAAAGAGAGTCTTTCCTACAGACAGTGGCAATATGCCTATTGTTGT-3'

ClinVar aggregate classification (germline): Benign. Review status: criteria provided, multiple submitters, no conflicts (2 of 4 stars). 6 submissions from 6 submitters: Benign (6). Last evaluated 2026-02-03.

Conditions:
Adams-Oliver syndrome 4 (AOS4). Identifiers: Orphanet 974, MedGen C3809092, MONDO:0014124, OMIM 615297.

Allele frequency attached by ClinVar (database versions not stated): gnomAD exomes 0.30924 and 0.27215; 1000 Genomes Project 30x 0.31855; 1000 Genomes Project 0.33127; ESP Exome Variant Server 0.24819; TOPMed 0.26512; gnomAD 0.26744 and 0.27401; ExAC 0.30535.
gnomAD v4.1: 437,009 of 1,602,552 alleles (27%); highest among the groups gnomAD compares: East Asian, 52%; 62,516 homozygotes.

Submissions (8):

Labcorp Genetics (formerly Invitae), Labcorp
Classification: Benign for Adams-Oliver syndrome 4. Last evaluated: 2026-02-03. Review status: criteria provided, single submitter. Criteria: Invitae Variant Classification Sherloc (09022015). Collection method: clinical testing. Allele origin: germline.

Mayo Clinic Laboratories, Mayo Clinic
Classification: Benign. Last evaluated: 2025-11-05. Review status: criteria provided, single submitter. Criteria: ACMG Guidelines, 2015. Collection method: clinical testing. Allele origin: germline. Observed: 17 variant alleles.
Comment: BA1, BP4, BP7

Blueprint Genetics
Classification: Benign. Last evaluated: 2024-11-26. Review status: criteria provided, single submitter. Criteria: ACMG Guidelines, 2015. Collection method: clinical testing. Allele origin: germline.

Genome-Nilou Lab
Classification: Benign for Adams-Oliver syndrome 4. Last evaluated: 2021-07-30. Review status: criteria provided, single submitter. Criteria: ACMG Guidelines, 2015. Collection method: clinical testing. Allele origin: germline. Affected: no.

GeneDx
Classification: Benign. Last evaluated: 2018-06-14. Review status: criteria provided, single submitter. Criteria: GeneDx Variant Classification (06012015). Collection method: clinical testing. Allele origin: germline. Affected: yes.
Comment: This variant is considered likely benign or benign based on one or more of the following criteria: it is a conservative change, it occurs at a poorly conserved position in the protein, it is predicted to be benign by multiple in silico algorithms, and/or has population frequency not consistent with disease.

Breakthrough Genomics
Classification: Benign. Review status: criteria provided, single submitter. Criteria: ACMG Guidelines, 2015. Collection method: not provided. Allele origin: germline. Inheritance: Autosomal recessive inheritance. Affected: yes.

Dr. Peter K. Rogan Lab, Western University
No classification provided (evidence only). Condition: Nonpapillary renal cell carcinoma. Review status: no classification provided. Collection method: in vitro. Allele origin: not applicable. Functional consequence: skipped exon. Not counted in ClinVar's aggregate classification.

Dr. Peter K. Rogan Lab, Western University
No classification provided (evidence only). Condition: Nonpapillary renal cell carcinoma. Review status: no classification provided. Collection method: in vitro. Allele origin: not applicable. Functional consequence: retained intron. Not counted in ClinVar's aggregate classification.